The following is an entry in ClinVar:

NM_025216.3(WNT10A):c.143G>A (p.Arg48His)

Gene: WNT10A (Wnt family member 10A; plus strand). Cytogenetic location: 2q35.
Variant type: single nucleotide variant.
Coding change: c.143G>A on transcript NM_025216.3 (MANE Select); coding-DNA position 143, G replaced by A.
Protein change: p.Arg48His; replaces arginine 48 with histidine.
Molecular consequence: missense variant.
Genome position (GRCh38, 1-based): chr2:218,882,190, G>A. VCF-style: chr2-218882190-G-A. GRCh37 (hg19) VCF-style: chr2-219746912-G-A.
Other names: short protein forms R48H.
Identifiers: ClinVar variation 5001549 (VCV005001549.1).

ClinVar aggregate classification (germline): Uncertain significance (1 of 4 stars; one submission).

Conditions:
WNT10A-related disorder. Also called: WNT10A-related disorders; WNT10A-related condition.

gnomAD v4.1: 102 of 1,614,036 alleles (0.0063%); highest among the groups gnomAD compares: East Asian, 0.076%; no homozygotes.

Submission:

PreventionGenetics, part of Exact Sciences
Classification: Uncertain significance for WNT10A-related condition. Last evaluated: 2025-08-18. Review status: criteria provided, single submitter. Criteria: ACMG Guidelines, 2015. Collection method: clinical testing. Allele origin: germline.
Comment: The WNT10A c.143G>A variant is predicted to result in the amino acid substitution p.Arg48His. To our knowledge, this variant has not been reported in the literature. This variant is reported in 0.027% of alleles in individuals of East Asian descent in gnomAD. At this time, the clinical significance of this variant is uncertain due to the absence of conclusive functional and genetic evidence.